The following is an entry in ClinVar:

ClinVar aggregate classification (germline): Uncertain significance (1 of 4 stars; one submission).

Conditions:
Infantile spasms. Also called: Infantile spasm. Identifiers: MedGen C3887898, HP:0012469.

Submission:

Labcorp Genetics (formerly Invitae), Labcorp
Classification: Uncertain significance for Infantile spasms. Last evaluated: 2025-02-21. Review status: criteria provided, single submitter. Criteria: Invitae Variant Classification Sherloc (09022015). Collection method: clinical testing. Allele origin: germline.
Comment: This sequence change replaces arginine, which is basic and polar, with glycine, which is neutral and non-polar, at codon 38 of the PIK3AP1 protein (p.Arg38Gly). This variant is not present in population databases (gnomAD no frequency). This variant has not been reported in the literature in individuals affected with PIK3AP1-related conditions. ClinVar contains an entry for this variant (Variation ID: 2904008). An algorithm developed to predict the effect of missense changes on protein structure and function (PolyPhen-2) suggests that this variant is likely to be tolerated. In summary, the available evidence is currently insufficient to determine the role of this variant in disease. Therefore, it has been classified as a Variant of Uncertain Significance.

NM_152309.3(PIK3AP1):c.112C>G (p.Arg38Gly)

Gene: PIK3AP1 (phosphoinositide-3-kinase adaptor protein 1; minus strand). Cytogenetic location: 10q24.1.
Variant type: single nucleotide variant.
Coding change: c.112C>G on transcript NM_152309.3 (MANE Select); coding-DNA position 112, C replaced by G.
Protein change: p.Arg38Gly; replaces arginine 38 with glycine.
Molecular consequence: missense variant.
Genome position (GRCh38, 1-based): chr10:96,709,885, G>C on the plus strand (C>G on the coding strand, the complement: PIK3AP1 is on the minus strand). VCF-style: chr10-96709885-G-C. GRCh37 (hg19) VCF-style: chr10-98469642-G-C.
Other names: short protein forms R38G.
Identifiers: ClinVar variation 2904008 (VCV002904008.3), dbSNP rs369732062, ClinGen allele CA377760217.